The following is an entry in ClinVar:

NM_002693.3(POLG):c.1558G>A (p.Ala520Thr)

Gene: POLG (DNA polymerase gamma, catalytic subunit; minus strand). Cytogenetic location: 15q26.1.
Variant type: single nucleotide variant.
Coding change: c.1558G>A on transcript NM_002693.3 (MANE Select); coding-DNA position 1558, G replaced by A.
Protein change: p.Ala520Thr; replaces alanine 520 with threonine.
Molecular consequence: missense variant.
Genome position (GRCh38, 1-based): chr15:89,326,939, C>T on the plus strand (G>A on the coding strand, the complement: POLG is on the minus strand). VCF-style: chr15-89326939-C-T. GRCh37 (hg19) VCF-style: chr15-89870170-C-T.
Other names: c.1558G>A, p.Ala520Thr (NM_001126131.2); short protein forms A520T.
Identifiers: ClinVar variation 807305 (VCV000807305.45), dbSNP rs764756949, ClinGen allele CA7724808.

ClinVar aggregate classification (germline): Uncertain significance. Review status: criteria provided, multiple submitters, no conflicts (2 of 4 stars). 2 submissions from 2 submitters: Uncertain significance (2). Last evaluated 2023-02-18.

Conditions:
Progressive sclerosing poliodystrophy (MTDPS4A). Also called: ALPERS PROGRESSIVE INFANTILE POLIODYSTROPHY; Alpers-Huttenlocher Syndrome (AHS); Alpers Syndrome; Mitochondrial DNA Depletion Syndrome 4A; NEURONAL DEGENERATION OF CHILDHOOD WITH LIVER DISEASE, PROGRESSIVE; Mitochondrial DNA depletion syndrome 4A (Alpers type). Identifiers: Orphanet 726, MedGen C0205710, MONDO:0008758, OMIM 203700.

Allele frequency attached by ClinVar (database versions not stated): gnomAD exomes below 0.00001; ExAC 0.00001.

Submissions (2):

Labcorp Genetics (formerly Invitae), Labcorp
Classification: Uncertain significance for Progressive sclerosing poliodystrophy. Last evaluated: 2023-02-18. Review status: criteria provided, single submitter. Criteria: Invitae Variant Classification Sherloc (09022015). Collection method: clinical testing. Allele origin: germline.
Comment: ClinVar contains an entry for this variant (Variation ID: 807305). This sequence change replaces alanine, which is neutral and non-polar, with threonine, which is neutral and polar, at codon 520 of the POLG protein (p.Ala520Thr). This variant is present in population databases (rs764756949, gnomAD 0.0009%). This variant has not been reported in the literature in individuals affected with POLG-related conditions. Advanced modeling of protein sequence and biophysical properties (such as structural, functional, and spatial information, amino acid conservation, physicochemical variation, residue mobility, and thermodynamic stability) performed at Invitae indicates that this missense variant is not expected to disrupt POLG protein function. In summary, the available evidence is currently insufficient to determine the role of this variant in disease. Therefore, it has been classified as a Variant of Uncertain Significance.

CeGaT Center for Human Genetics Tuebingen
Classification: Uncertain significance. Last evaluated: 2016-05-01. Review status: criteria provided, single submitter. Criteria: CeGaT Center For Human Genetics Tuebingen Variant Classification Criteria Version 2. Collection method: clinical testing. Allele origin: germline. Affected: yes. Observed: 1 variant allele.